The following is an entry in ClinVar:

NM_001367624.2(ZNF469):c.4354T>A (p.Ser1452Thr)

Gene: ZNF469 (zinc finger protein 469; plus strand). Cytogenetic location: 16q24.2.
Variant type: single nucleotide variant.
Coding change: c.4354T>A on transcript NM_001367624.2 (MANE Select); coding-DNA position 4354, T replaced by A.
Protein change: p.Ser1452Thr; replaces serine 1452 with threonine.
Molecular consequence: missense variant.
Genome position (GRCh38, 1-based): chr16:88,431,824, T>A. VCF-style: chr16-88431824-T-A. GRCh37 (hg19) VCF-style: chr16-88498232-T-A.
Other names: NM_001127464.1:c.4270T>A; short protein forms S1452T.
Identifiers: ClinVar variation 5032277 (VCV005032277.1).

ClinVar aggregate classification (germline): Uncertain significance (1 of 4 stars; one submission).

Conditions:
Cardiovascular phenotype. Identifiers: MedGen CN230736.

gnomAD v4.1: 2 of 1,549,420 alleles (0.00013%); highest among the groups gnomAD compares: Admixed American, 0.002%; no homozygotes.

Submission:

Ambry Genetics
Classification: Uncertain significance for Cardiovascular phenotype. Last evaluated: 2026-09-07. Review status: criteria provided, single submitter. Criteria: Ambry Variant Classification Scheme 2023. Collection method: clinical testing. Allele origin: germline.
Comment: The p.S1424T variant (also known as c.4270T>A), located in coding exon 2 of the ZNF469 gene, results from a T to A substitution at nucleotide position 4270. The serine at codon 1424 is replaced by threonine, an amino acid with similar properties. This amino acid position is conserved. In addition, this alteration is predicted to be tolerated by in silico analysis. Based on the available evidence, the clinical significance of this variant remains unclear.